The following is an entry in ClinVar:

ClinVar aggregate classification (germline): Uncertain significance (1 of 4 stars; one submission).

Conditions:
Inborn genetic diseases. Identifiers: MedGen C0950123, MeSH D030342.

gnomAD v4.1: 1 of 1,611,350 alleles (0.000062%); highest among the groups gnomAD compares: Non-Finnish European, 0.000085%; no homozygotes.

Submission:

Ambry Genetics
Classification: Uncertain significance for Inborn genetic diseases. Last evaluated: 2023-12-14. Review status: criteria provided, single submitter. Criteria: Ambry Variant Classification Scheme 2023. Collection method: clinical testing. Allele origin: germline.
Comment: The p.V239L variant (also known as c.715G>T), located in coding exon 7 of the LRRK2 gene, results from a G to T substitution at nucleotide position 715. The valine at codon 239 is replaced by leucine, an amino acid with highly similar properties. This amino acid position is conserved. In addition, the in silico prediction for this alteration is inconclusive. Since supporting evidence is limited at this time, the clinical significance of this alteration remains unclear.

NM_198578.4(LRRK2):c.715G>T (p.Val239Leu)

Gene: LRRK2 (leucine rich repeat kinase 2; plus strand). Cytogenetic location: 12q12.
Variant type: single nucleotide variant.
Coding change: c.715G>T on transcript NM_198578.4 (MANE Select); coding-DNA position 715, G replaced by T.
Protein change: p.Val239Leu; replaces valine 239 with leucine.
Molecular consequence: missense variant.
Genome position (GRCh38, 1-based): chr12:40,243,558, G>T. VCF-style: chr12-40243558-G-T. GRCh37 (hg19) VCF-style: chr12-40637360-G-T.
Other names: short protein forms V239L.
Identifiers: ClinVar variation 3229775 (VCV003229775.1), dbSNP rs2499455018, ClinGen allele CA384405739.
Genomic context (GRCh38, chr12:40,243,558, plus strand): 5'-TGAAAGGAGAACATGGTTACCTTATTGATAATTATGATCTCTTTAAATTCAGGCAATAAT[G>T]TGGAAGTCCTCATGAGTGGCAATGTCAGGTGTTATAATATTGTGGTGGAAGCTATGAAAG-3'
Protein context (NP_940980.4, residues 229-249): LHSLAIPCNN[Val239Leu]EVLMSGNVRC